The following is an entry in ClinVar:

NM_000179.3(MSH6):c.3438+6T>C

Gene: MSH6 (mutS homolog 6; plus strand). Cytogenetic location: 2p16.3.
Variant type: single nucleotide variant.
Coding change: c.3438+6T>C on transcript NM_000179.3 (MANE Select); 6 bases into the intron after coding-DNA position 3438, T replaced by C.
Molecular consequence: intron variant.
Genome position (GRCh38, 1-based): chr2:47,803,691, T>C. VCF-style: chr2-47803691-T-C. GRCh37 (hg19) VCF-style: chr2-48030830-T-C.
Other names: c.2532+6T>C (NM_001281493.2, NM_001281494.2); c.3048+6T>C (NM_001281492.2).
Identifiers: ClinVar variation 89387 (VCV000089387.17), dbSNP rs370170322, ClinGen allele CA012876.

ClinVar aggregate classification (germline): Likely benign. Review status: criteria provided, multiple submitters, no conflicts (2 of 4 stars). 4 submissions from 4 submitters: Likely benign (4). Last evaluated 2026-01-18.

Conditions:
Hereditary cancer-predisposing syndrome. Also called: Tumor predisposition; Hereditary Cancer Syndrome; Hereditary neoplastic syndrome; Neoplastic Syndromes, Hereditary. Identifiers: Orphanet 140162, MedGen C0027672, MeSH D009386, MONDO:0015356.
Lynch syndrome. Identifiers: Orphanet 144, MedGen C4552100, MONDO:0005835. Disease mechanism: loss of function.
Hereditary nonpolyposis colorectal neoplasms. Identifiers: MedGen C0009405, MeSH D003123.

Allele frequency attached by ClinVar (database versions not stated): gnomAD exomes below 0.00001 and 0.00002; gnomAD 0.00001; TOPMed 0.00001; ESP Exome Variant Server 0.00008.
gnomAD v4.1: 27 of 1,614,082 alleles (0.0017%); highest among the groups gnomAD compares: Non-Finnish European, 0.0022%; no homozygotes.

Submissions (4):

Labcorp Genetics (formerly Invitae), Labcorp
Classification: Likely benign for Hereditary nonpolyposis colorectal neoplasms. Last evaluated: 2026-01-18. Review status: criteria provided, single submitter. Criteria: Invitae Variant Classification Sherloc (09022015). Collection method: clinical testing. Allele origin: germline.

All of Us Research Program, National Institutes of Health
Classification: Likely benign for Lynch syndrome. Last evaluated: 2024-08-13. Review status: criteria provided, single submitter. Criteria: ACMG Guidelines, 2015. Collection method: clinical testing. Allele origin: germline. Inheritance: Autosomal dominant inheritance. Observed: 1 variant allele, 1 heterozygote.
Comment: This study involves interpretation of variants in research participants for the purpose of population health screening. Participant phenotype was not available at the time of variant classification. Additional details can be found in publication PMID: 35346344, PMCID: PMC8962531

GeneDx
Classification: Likely benign. Last evaluated: 2020-10-14. Review status: criteria provided, single submitter. Criteria: GeneDx Variant Classification Process June 2021. Collection method: clinical testing. Allele origin: germline. Affected: yes.
Comment: This variant is associated with the following publications: (PMID: 28531214)

Color Diagnostics, LLC DBA Color Health
Classification: Likely benign for Hereditary cancer-predisposing syndrome. Last evaluated: 2016-11-10. Review status: criteria provided, single submitter. Criteria: ACMG Guidelines, 2015. Collection method: clinical testing. Allele origin: germline.